The following is an entry in ClinVar:

ClinVar aggregate classification (germline): Likely pathogenic (1 of 4 stars; one submission).

Conditions:
Channelopathy-associated congenital insensitivity to pain, autosomal recessive. Also called: Insensitivity to pain, channelopathy-associated; CONGENITAL ANALGESIA, AUTOSOMAL RECESSIVE; ASYMBOLIA FOR PAIN. Identifiers: Orphanet 88642, Orphanet 970, MedGen C1855739, MONDO:0009459, OMIM 243000.

Submission:

Juno Genomics, Hangzhou Juno Genomics, Inc
Classification: Likely pathogenic for Channelopathy-associated congenital insensitivity to pain, autosomal recessive. Review status: criteria provided, single submitter. Criteria: ACMG Guidelines, 2015. Collection method: clinical testing. Allele origin: germline. Affected: yes.
Comment: Null variant in a gene where loss of function (LOF) is a known mechanism of disease.;Absent from controls (or at extremely low frequency if recessive) in Genome Aggregation Database, Exome Sequencing Project, 1000 Genomes Project, or Exome Aggregation Consortium.

NM_001365536.1(SCN9A):c.4621C>T (p.Gln1541Ter)

Genes: SCN1A-AS1 (SCN1A and SCN9A antisense RNA 1; plus strand), SCN9A (sodium voltage-gated channel alpha subunit 9; minus strand). Cytogenetic location: 2q24.3.
Variant type: single nucleotide variant.
Coding change: c.4621C>T on transcript NM_001365536.1 (MANE Select); coding-DNA position 4621, C replaced by T.
Protein change: p.Gln1541Ter; replaces glutamine 1541 with a stop codon.
Molecular consequence: nonsense.
Genome position (GRCh38, 1-based): chr2:166,204,108, G>A on the plus strand (C>T on the coding strand, the complement: SCN9A is on the minus strand). VCF-style: chr2-166204108-G-A. GRCh37 (hg19) VCF-style: chr2-167060618-G-A.
Other names: c.4588C>T, p.Gln1530Ter (NM_002977.4); short protein forms Q1530*, Q1541*.
Identifiers: ClinVar variation 3381859 (VCV003381859.2).